The following is an entry in ClinVar:

NM_015570.4(AUTS2):c.521A>G (p.Gln174Arg)

Gene: AUTS2 (activator of transcription and developmental regulator AUTS2; plus strand). Cytogenetic location: 7q11.22.
Variant type: single nucleotide variant.
Coding change: c.521A>G on transcript NM_015570.4 (MANE Select); coding-DNA position 521, A replaced by G.
Protein change: p.Gln174Arg; replaces glutamine 174 with arginine.
Molecular consequence: missense variant.
Genome position (GRCh38, 1-based): chr7:69,899,497, A>G. VCF-style: chr7-69899497-A-G. GRCh37 (hg19) VCF-style: chr7-69364483-A-G.
Other names: c.521A>G, p.Gln174Arg (NM_001127231.3, NM_001127232.3); short protein forms Q174R.
Identifiers: ClinVar variation 2442639 (VCV002442639.3), dbSNP rs2486559591, ClinGen allele CA367703784.
Genomic context (GRCh38, chr7:69,899,497, plus strand): 5'-ATGACCGCAATCTCTGCCAGCACCTTGGGAAGAGAAAGAAAATGCCGAAGGCACTCAGAC[A>G]GGTGAGGAAGCTTGGGTTCGCTCTTTCCTGTGGCGGCAAAATCCCTTCCTTAGGTGCTTC-3'
Protein context (NP_056385.1, residues 164-184): KRKKMPKALR[Gln174Arg]LKPGQNSCRD

ClinVar aggregate classification (germline): Uncertain significance (1 of 4 stars; one submission).

Allele frequency attached by ClinVar (database versions not stated): gnomAD exomes below 0.00001.

Submission:

GeneDx
Classification: Uncertain significance. Last evaluated: 2023-08-16. Review status: criteria provided, single submitter. Criteria: GeneDx Variant Classification Process June 2021. Collection method: clinical testing. Allele origin: germline. Affected: yes.
Comment: Not observed at significant frequency in large population cohorts (gnomAD); In silico analysis supports that this missense variant does not alter protein structure/function; Has not been previously published as pathogenic or benign to our knowledge